The following is an entry in ClinVar:

ClinVar aggregate classification (germline): Uncertain significance (1 of 4 stars; one submission).

Conditions:
Gorlin syndrome. Also called: Basal cell nevus syndrome; Nevoid Basal Cell Carcinoma Syndrome. Identifiers: Orphanet 377, MedGen C0004779, MONDO:0007187.
Medulloblastoma (MDB). Also called: Medulloblastoma, somatic; MEDULLOBLASTOMA PREDISPOSITION SYNDROME. Identifiers: Orphanet 616, MedGen C0025149, MeSH D008527, MONDO:0007959, OMIM 155255, HP:0002885.

Submission:

Labcorp Genetics (formerly Invitae), Labcorp
Classification: Uncertain significance for Gorlin syndrome; Medulloblastoma. Last evaluated: 2020-07-19. Review status: criteria provided, single submitter. Criteria: Invitae Variant Classification Sherloc (09022015). Collection method: clinical testing. Allele origin: germline.
Comment: In summary, the available evidence is currently insufficient to determine the role of this variant in disease. Therefore, it has been classified as a Variant of Uncertain Significance. Algorithms developed to predict the effect of missense changes on protein structure and function do not agree on the potential impact of this missense change (SIFT: "Deleterious"; PolyPhen-2: "Probably Damaging"; Align-GVGD: "Class C0"). This variant has not been reported in the literature in individuals with SUFU-related disease. This variant is not present in population databases (ExAC no frequency). This sequence change replaces proline with alanine at codon 31 of the SUFU protein (p.Pro31Ala). The proline residue is highly conserved and there is a small physicochemical difference between proline and alanine.

NM_016169.4(SUFU):c.91C>G (p.Pro31Ala)

Genes: SUFU (SUFU negative regulator of hedgehog signaling; plus strand), LOC130004614 (ATAC-STARR-seq lymphoblastoid silent region 2764; plus strand). Cytogenetic location: 10q24.32.
Variant type: single nucleotide variant.
Coding change: c.91C>G on transcript NM_016169.4 (MANE Select); coding-DNA position 91, C replaced by G.
Protein change: p.Pro31Ala; replaces proline 31 with alanine.
Molecular consequence: missense variant.
Genome position (GRCh38, 1-based): chr10:102,504,243, C>G. VCF-style: chr10-102504243-C-G. GRCh37 (hg19) VCF-style: chr10-104264000-C-G.
Other names: c.91C>G, p.Pro31Ala (NM_001178133.2); short protein forms P31A.
Identifiers: ClinVar variation 524660 (VCV000524660.11), dbSNP rs1554840836, ClinGen allele CA377886429.